The following is an entry in ClinVar:

NM_032833.5(PPP1R15B):c.62G>A (p.Trp21Ter)

Gene: PPP1R15B (protein phosphatase 1 regulatory subunit 15B; minus strand). Cytogenetic location: 1q32.1.
Variant type: single nucleotide variant.
Coding change: c.62G>A on transcript NM_032833.5 (MANE Select); coding-DNA position 62, G replaced by A.
Protein change: p.Trp21Ter; replaces tryptophan 21 with a stop codon.
Molecular consequence: nonsense.
Genome position (GRCh38, 1-based): chr1:204,411,350, C>T on the plus strand (G>A on the coding strand, the complement: PPP1R15B is on the minus strand). VCF-style: chr1-204411350-C-T. GRCh37 (hg19) VCF-style: chr1-204380478-C-T.
Other names: short protein forms W21*.
Identifiers: ClinVar variation 2113547 (VCV002113547.4), dbSNP rs2526513424, ClinGen allele CA344356787.

ClinVar aggregate classification (germline): Uncertain significance (1 of 4 stars; one submission).

Submission:

Labcorp Genetics (formerly Invitae), Labcorp
Classification: Uncertain significance. Last evaluated: 2022-03-18. Review status: criteria provided, single submitter. Criteria: Invitae Variant Classification Sherloc (09022015). Collection method: clinical testing. Allele origin: germline.
Comment: This sequence change creates a premature translational stop signal (p.Trp21*) in the PPP1R15B gene. It is expected to result in an absent or disrupted protein product. However, the current clinical and genetic evidence is not sufficient to establish whether loss-of-function variants in PPP1R15B cause disease. This variant is not present in population databases (gnomAD no frequency). This premature translational stop signal has been observed in individual(s) with PPP1R15B-related conditions (PMID: 27640355). In summary, the available evidence is currently insufficient to determine the role of this variant in disease. Therefore, it has been classified as a Variant of Uncertain Significance.

Literature cited by the submitters: PubMed 27640355.